The following is an entry in ClinVar:

ClinVar aggregate classification (germline): Likely benign (0 of 4 stars; one submission).

Conditions:
PLXNA4-related disorder. Also called: PLXNA4-related condition.

Allele frequency attached by ClinVar (database versions not stated): gnomAD 0.00003; ExAC 0.00012; TOPMed 0.00012.
gnomAD v4.1: 23 of 1,527,876 alleles (0.0015%); highest among the groups gnomAD compares: Admixed American, 0.041%; no homozygotes.

Submission:

PreventionGenetics, part of Exact Sciences
Classification: Likely benign for PLXNA4-related condition. Last evaluated: 2023-03-08. Review status: no assertion criteria provided. Collection method: clinical testing. Allele origin: germline.
Comment: This variant is classified as likely benign based on ACMG/AMP sequence variant interpretation guidelines (Richards et al. 2015 PMID: 25741868, with internal and published modifications).

NM_020911.2(PLXNA4):c.4286+10C>T

Gene: PLXNA4 (plexin A4; minus strand). Cytogenetic location: 7q32.3.
Variant type: single nucleotide variant.
Coding change: c.4286+10C>T on transcript NM_020911.2 (MANE Select); 10 bases into the intron after coding-DNA position 4286, C replaced by T.
Molecular consequence: intron variant.
Genome position (GRCh38, 1-based): chr7:132,168,294, G>A on the plus strand (C>T on the coding strand, the complement: PLXNA4 is on the minus strand). VCF-style: chr7-132168294-G-A. GRCh37 (hg19) VCF-style: chr7-131853053-G-A.
Other names: c.4286+10C>T (NM_001393897.1).
Identifiers: ClinVar variation 3047502 (VCV003047502.2), dbSNP rs751986751, ClinGen allele CA4489251.